The following is an entry in ClinVar:

NM_022041.4(GAN):c.*159C>T

Gene: GAN (gigaxonin; plus strand). Cytogenetic location: 16q23.2.
Variant type: single nucleotide variant.
Coding change: c.*159C>T on transcript NM_022041.4 (MANE Select); 159 bases downstream of the stop codon, C replaced by T.
Molecular consequence: 3 prime UTR variant.
Genome position (GRCh38, 1-based): chr16:81,377,755, C>T. VCF-style: chr16-81377755-C-T. GRCh37 (hg19) VCF-style: chr16-81411360-C-T.
Other names: c.*159C>T (NM_001377486.1).
Identifiers: ClinVar variation 320665 (VCV000320665.6), dbSNP rs76000455, ClinGen allele CA10649020.

ClinVar aggregate classification (germline): Benign. Review status: criteria provided, multiple submitters, no conflicts (2 of 4 stars). 2 submissions from 2 submitters: Benign (2). Last evaluated 2018-01-13.

Conditions:
Giant axonal neuropathy 1 (GAN1). Also called: GAN-Related Neurodegeneration; GIANT AXONAL NEUROPATHY 1, AUTOSOMAL RECESSIVE. Identifiers: Orphanet 643, MedGen C1850386, MONDO:0009749, OMIM 256850.

Allele frequency attached by ClinVar (database versions not stated): gnomAD 0.01456 and 0.01658; TOPMed 0.01541; 1000 Genomes Project 30x 0.03685; 1000 Genomes Project 0.03914.
gnomAD v4.1: 13,879 of 723,094 alleles (1.9%); highest among the groups gnomAD compares: East Asian, 12%; 434 homozygotes.

Submissions (2):

Illumina Laboratory Services, Illumina
Classification: Benign for Giant axonal neuropathy 1. Last evaluated: 2018-01-13. Review status: criteria provided, single submitter. Criteria: ICSL Variant Classification Criteria 13 December 2019. Collection method: clinical testing. Allele origin: germline.
Comment: This variant was observed in the ICSL laboratory as part of a predisposition screen in an ostensibly healthy population. It had not been previously curated by ICSL or reported in the Human Gene Mutation Database (HGMD: prior to June 1st, 2018), and was therefore a candidate for classification through an automated scoring system. Utilizing variant allele frequency, disease prevalence and penetrance estimates, and inheritance mode, an automated score was calculated to assess if this variant is too frequent to cause the disease. Based on the score and internal cut-off values, a variant classified as benign is not then subjected to further curation. The score for this variant resulted in a classification of benign for this disease.

Breakthrough Genomics
Classification: Benign. Review status: criteria provided, single submitter. Criteria: ACMG Guidelines, 2015. Collection method: not provided. Allele origin: germline. Inheritance: Autosomal recessive inheritance. Affected: yes.